The following is an entry in ClinVar:

ClinVar aggregate classification (germline): Likely pathogenic (1 of 4 stars; one submission).

gnomAD v4.1: 48 of 1,613,382 alleles (0.003%); highest among the groups gnomAD compares: Non-Finnish European, 0.004%; no homozygotes.

Submission:

Labcorp Genetics (formerly Invitae), Labcorp
Classification: Likely pathogenic. Last evaluated: 2024-05-27. Review status: criteria provided, single submitter. Criteria: Invitae Variant Classification Sherloc (09022015). Collection method: clinical testing. Allele origin: germline.
Comment: This sequence change affects a donor splice site in intron 25 of the ADCY10 gene. It is expected to disrupt RNA splicing. Variants that disrupt the donor or acceptor splice site typically lead to a loss of protein function (PMID: 16199547), and loss-of-function variants in ADCY10 are known to be pathogenic (PMID: 31119281). This variant is present in population databases (rs772139223, gnomAD 0.004%). This variant has not been reported in the literature in individuals affected with ADCY10-related conditions. Algorithms developed to predict the effect of sequence changes on RNA splicing suggest that this variant may disrupt the consensus splice site. In summary, the currently available evidence indicates that the variant is pathogenic, but additional data are needed to prove that conclusively. Therefore, this variant has been classified as Likely Pathogenic.

Literature cited by the submitters: PubMed 16199547; PubMed 31119281.

NM_018417.6(ADCY10):c.3593+2T>C

Gene: ADCY10 (adenylate cyclase 10; minus strand). Cytogenetic location: 1q24.2.
Variant type: single nucleotide variant.
Coding change: c.3593+2T>C on transcript NM_018417.6 (MANE Select); the canonical splice donor site of the intron after coding-DNA position 3593, T replaced by C.
Molecular consequence: splice donor variant.
Genome position (GRCh38, 1-based): chr1:167,832,985, A>G on the plus strand (T>C on the coding strand, the complement: ADCY10 is on the minus strand). VCF-style: chr1-167832985-A-G. GRCh37 (hg19) VCF-style: chr1-167802223-A-G.
Other names: c.3134+2T>C (NM_001167749.3); c.3317+2T>C (NM_001297772.2).
Identifiers: ClinVar variation 3709627 (VCV003709627.2).